The following is an entry in ClinVar:

ClinVar aggregate classification (germline): Likely benign. Review status: criteria provided, single submitter (1 of 4 stars). 2 submissions from 2 submitters: Likely benign (1). 1 of the submissions does not count toward it. Last evaluated 2025-11-11.

Conditions:
SLC4A1-related disorder. Also called: SLC4A1-related condition; SLC4A1-related disorders.

Allele frequency attached by ClinVar (database versions not stated): gnomAD exomes 0.00001; ExAC 0.00002; TOPMed 0.00003; gnomAD 0.00005 and 0.00006; 1000 Genomes Project 30x 0.00016; 1000 Genomes Project 0.00020.
gnomAD v4.1: 20 of 1,614,160 alleles (0.0012%); highest among the groups gnomAD compares: African/African-American, 0.02%; no homozygotes.

Submissions (2):

Labcorp Genetics (formerly Invitae), Labcorp
Classification: Likely benign. Last evaluated: 2025-11-11. Review status: criteria provided, single submitter. Criteria: Invitae Variant Classification Sherloc (09022015). Collection method: clinical testing. Allele origin: germline.

PreventionGenetics, part of Exact Sciences
Classification: Likely benign for SLC4A1-related condition. Last evaluated: 2019-03-12. Review status: no assertion criteria provided. Collection method: clinical testing. Allele origin: germline. Not counted in ClinVar's aggregate classification.
Comment: This variant is classified as likely benign based on ACMG/AMP sequence variant interpretation guidelines (Richards et al. 2015 PMID: 25741868, with internal and published modifications).

NM_000342.4(SLC4A1):c.279C>T (p.Ala93=)

Gene: SLC4A1 (solute carrier family 4 member 1 (Diego blood group); minus strand). Cytogenetic location: 17q21.31.
Variant type: single nucleotide variant.
Coding change: c.279C>T on transcript NM_000342.4 (MANE Select); coding-DNA position 279, C replaced by T.
Protein change: p.Ala93=; no amino-acid change (alanine 93 retained).
Molecular consequence: synonymous variant.
Genome position (GRCh38, 1-based): chr17:44,260,705, G>A on the plus strand (C>T on the coding strand, the complement: SLC4A1 is on the minus strand). VCF-style: chr17-44260705-G-A. GRCh37 (hg19) VCF-style: chr17-42338073-G-A.
Other names: c.279C>T (NM_000342.3).
Identifiers: ClinVar variation 1107155 (VCV001107155.11), dbSNP rs552527060, ClinGen allele CA8600653.
Genomic context (GRCh38, chr17:44,260,705, plus strand): 5'-GACTCTACGCAGCTCTAGGAGGCTCCAGAAGGTGAGGTGAGAGAGGTGCGGGCGGCCCCA[G>A]GCCCCATTCTCCCCCAGGTTCTCCTCCAGTTGCACCCAGCGCGCCGCCTCCATCCATCTC-3'
Protein context (NP_000333.1, residues 83-103): QLEENLGENG[Ala93=]WGRPHLSHLT